The following is an entry in ClinVar:

NM_032119.4(ADGRV1):c.13765G>A (p.Val4589Met)

Gene: ADGRV1 (adhesion G protein-coupled receptor V1; plus strand). Cytogenetic location: 5q14.3.
Variant type: single nucleotide variant.
Coding change: c.13765G>A on transcript NM_032119.4 (MANE Select); coding-DNA position 13765, G replaced by A.
Protein change: p.Val4589Met; replaces valine 4589 with methionine.
Molecular consequence: missense variant. On other transcripts: non-coding transcript variant (1).
Genome position (GRCh38, 1-based): chr5:90,788,182, G>A. VCF-style: chr5-90788182-G-A. GRCh37 (hg19) VCF-style: chr5-90083999-G-A.
Other names: short protein forms V4589M.
Identifiers: ClinVar variation 163616 (VCV000163616.14), dbSNP rs375258567, ClinGen allele CA176239.

ClinVar aggregate classification (germline): Conflicting classifications of pathogenicity. Review status: criteria provided, conflicting classifications (1 of 4 stars). 5 submissions from 5 submitters: Uncertain significance (4); Likely benign (1). Last evaluated 2025-11-25.

Conditions:
Inborn genetic diseases. Identifiers: MedGen C0950123, MeSH D030342.

Allele frequency attached by ClinVar (database versions not stated): gnomAD 0.00003; TOPMed 0.00002.
gnomAD v4.1: 8 of 1,613,740 alleles (0.0005%); highest among the groups gnomAD compares: Admixed American, 0.0083%; no homozygotes.

Submissions (5):

GeneDx
Classification: Uncertain significance. Last evaluated: 2025-11-25. Review status: criteria provided, single submitter. Criteria: GeneDx Variant Classification Process June 2021. Collection method: clinical testing. Allele origin: germline. Affected: yes.
Comment: Not observed at significant frequency in large population cohorts (gnomAD); In silico analysis suggests that this missense variant does not alter protein structure/function; Has not been previously published as pathogenic or benign to our knowledge

Ambry Genetics
Classification: Uncertain significance for Inborn genetic diseases. Last evaluated: 2024-04-09. Review status: criteria provided, single submitter. Criteria: Ambry Variant Classification Scheme 2023. Collection method: clinical testing. Allele origin: germline.

Athena Diagnostics
Classification: Uncertain significance. Last evaluated: 2022-09-15. Review status: criteria provided, single submitter. Criteria: Athena Diagnostics Criteria. Collection method: clinical testing. Allele origin: unknown.
Comment: Available data are insufficient to determine the clinical significance of the variant at this time. The frequency of this variant in the general population is uninformative in assessment of its pathogenicity. Computational tools predict that this variant is not damaging.

Labcorp Genetics (formerly Invitae), Labcorp
Classification: Uncertain significance. Last evaluated: 2022-08-19. Review status: criteria provided, single submitter. Criteria: Invitae Variant Classification Sherloc (09022015). Collection method: clinical testing. Allele origin: germline.
Comment: This sequence change replaces valine, which is neutral and non-polar, with methionine, which is neutral and non-polar, at codon 4589 of the ADGRV1 protein (p.Val4589Met). This variant is not present in population databases (gnomAD no frequency). This variant has not been reported in the literature in individuals affected with ADGRV1-related conditions. ClinVar contains an entry for this variant (Variation ID: 163616). Algorithms developed to predict the effect of missense changes on protein structure and function output the following: SIFT: "Deleterious"; PolyPhen-2: "Benign"; Align-GVGD: "Class C0". The methionine amino acid residue is found in multiple mammalian species, which suggests that this missense change does not adversely affect protein function. In summary, the available evidence is currently insufficient to determine the role of this variant in disease. Therefore, it has been classified as a Variant of Uncertain Significance.

Laboratory for Molecular Medicine, Mass General Brigham Personalized Medicine
Classification: Likely benign. Last evaluated: 2013-11-22. Review status: criteria provided, single submitter. Criteria: LMM Criteria. Collection method: clinical testing. Allele origin: germline. Observed: 1 variant allele.
Comment: Val4589Met in exon 68 of GPR98: This variant is not expected to have clinical si gnificance because the valine (Val) residue at position 4589 is poorly conserve d across species, with several species (pig, cow, and hedgehog) having a methion ine (Met) at this position. In addition, computational tools predict that the va riant may not impact the protein.